The following is an entry in ClinVar:

NM_001040108.2(MLH3):c.3515T>A (p.Ile1172Asn)

Gene: MLH3 (mutL homolog 3; minus strand). Cytogenetic location: 14q24.3.
Variant type: single nucleotide variant.
Coding change: c.3515T>A on transcript NM_001040108.2 (MANE Select); coding-DNA position 3515, T replaced by A.
Protein change: p.Ile1172Asn; replaces isoleucine 1172 with asparagine.
Molecular consequence: missense variant.
Genome position (GRCh38, 1-based): chr14:75,039,966, A>T on the plus strand (T>A on the coding strand, the complement: MLH3 is on the minus strand). VCF-style: chr14-75039966-A-T. GRCh37 (hg19) VCF-style: chr14-75506669-A-T.
Other names: c.3515T>A, p.Ile1172Asn (NM_014381.3); short protein forms I1172N.
Identifiers: ClinVar variation 1732202 (VCV001732202.2), dbSNP rs145816879, ClinGen allele CA7275465.

ClinVar aggregate classification (germline): Uncertain significance (1 of 4 stars; one submission).

Allele frequency attached by ClinVar (database versions not stated): ExAC 0.00001; gnomAD 0.00001; ESP Exome Variant Server 0.00008.

Submission:

Ambry Genetics
Classification: Uncertain significance. Last evaluated: 2022-05-04. Review status: criteria provided, single submitter. Criteria: Ambry Variant Classification Scheme 2023. Collection method: clinical testing. Allele origin: germline.
Comment: The p.I1172N variant (also known as c.3515T>A), located in coding exon 4 of the MLH3 gene, results from a T to A substitution at nucleotide position 3515. The isoleucine at codon 1172 is replaced by asparagine, an amino acid with dissimilar properties. This amino acid position is conserved. In addition, the in silico prediction for this alteration is inconclusive. Since supporting evidence is limited at this time, the clinical significance of this alteration remains unclear.